The following is an entry in ClinVar:

ClinVar aggregate classification (germline): Likely benign. Review status: criteria provided, multiple submitters, no conflicts (2 of 4 stars). 2 submissions from 2 submitters: Likely benign (2). Last evaluated 2025-04-13.

Conditions:
KIDINS220-related disorder. Also called: KIDINS220-related condition.

Allele frequency attached by ClinVar (database versions not stated): ExAC 0.00001; TOPMed 0.00001.
gnomAD v4.1: 2 of 1,614,196 alleles (0.00012%); highest among the groups gnomAD compares: Admixed American, 0.0017%; no homozygotes.

Submissions (2):

PreventionGenetics, part of Exact Sciences
Classification: Likely benign for KIDINS220-related condition. Last evaluated: 2025-04-13. Review status: criteria provided, single submitter. Criteria: ACMG Guidelines, 2015. Collection method: clinical testing. Allele origin: germline.
Comment: This variant is classified as likely benign based on ACMG/AMP sequence variant interpretation guidelines (Richards et al. 2015 PMID: 25741868, with internal and published modifications).

Labcorp Genetics (formerly Invitae), Labcorp
Classification: Likely benign. Last evaluated: 2023-12-19. Review status: criteria provided, single submitter. Criteria: Invitae Variant Classification Sherloc (09022015). Collection method: clinical testing. Allele origin: germline.

NM_020738.4(KIDINS220):c.5076C>T (p.Ala1692=)

Gene: KIDINS220 (kinase D interacting substrate 220; minus strand). Cytogenetic location: 2p25.1.
Variant type: single nucleotide variant.
Coding change: c.5076C>T on transcript NM_020738.4 (MANE Select); coding-DNA position 5076, C replaced by T.
Protein change: p.Ala1692=; no amino-acid change (alanine 1692 retained).
Molecular consequence: synonymous variant. On other transcripts: intron variant (6).
Genome position (GRCh38, 1-based): chr2:8,730,960, G>A on the plus strand (C>T on the coding strand, the complement: KIDINS220 is on the minus strand). VCF-style: chr2-8730960-G-A. GRCh37 (hg19) VCF-style: chr2-8871090-G-A.
Other names: c.5076C>T (NM_020738.2); c.5079C>T, p.Ala1693= (NM_001348729.2); c.5022C>T, p.Ala1674= (NM_001348731.2); c.5019C>T, p.Ala1673= (NM_001348732.2); c.4908C>T, p.Ala1636= (NM_001348734.2); c.4905C>T, p.Ala1635= (NM_001348735.2); c.4779C>T, p.Ala1593= (NM_001348736.2); c.3882+2484C>T (NM_001348741.2, NM_001348742.2, NM_001348743.2); and 2 more.
Identifiers: ClinVar variation 2900072 (VCV002900072.4), dbSNP rs781621604, ClinGen allele CA1519254.
Genomic context (GRCh38, chr2:8,730,960, plus strand): 5'-AATGACTTGAGAAGTCTCCCTAATTCCCTCCATCTCATCGAAATTTTGATTGGCTCTGTT[G>A]GCTGGAGCACTATTGTTGTTCAGAGTCACGGTGCTGGGAGTTCGGTTCAGGTTGTAGGCT-3'
Protein context (NP_065789.1, residues 1682-1702): TVTLNNNSAP[Ala1692=]NRANQNFDEM